The following is an entry in ClinVar:

ClinVar aggregate classification (germline): Pathogenic. Review status: criteria provided, multiple submitters, no conflicts (2 of 4 stars). 3 submissions from 3 submitters: Pathogenic (3). Last evaluated 2023-08-11.

Conditions:
Hereditary cancer-predisposing syndrome. Also called: Hereditary Cancer Syndrome; Tumor predisposition; Neoplastic Syndromes, Hereditary; Hereditary neoplastic syndrome. Identifiers: Orphanet 140162, MedGen C0027672, MeSH D009386, MONDO:0015356.
Lynch syndrome 5 (LYNCH5). Also called: Hereditary non-polyposis colorectal cancer, type 5; Colorectal cancer, hereditary nonpolyposis, type 5. Identifiers: Orphanet 144, MedGen C1833477, MONDO:0013710, OMIM 614350. Disease mechanism: loss of function.
Hereditary nonpolyposis colorectal neoplasms. Identifiers: MedGen C0009405, MeSH D003123.

Submissions (3):

Myriad Genetics, Inc.
Classification: Pathogenic for Lynch syndrome 5. Last evaluated: 2023-08-11. Review status: criteria provided, single submitter. Criteria: Myriad Autosomal Dominant, Autosomal Recessive and X-Linked Classification Criteria (2023). Collection method: clinical testing. Allele origin: unknown.
Comment: This variant is considered pathogenic. This variant creates a termination codon and is predicted to result in premature protein truncation.

Labcorp Genetics (formerly Invitae), Labcorp
Classification: Pathogenic for Hereditary nonpolyposis colorectal neoplasms. Last evaluated: 2019-06-09. Review status: criteria provided, single submitter. Criteria: Invitae Variant Classification Sherloc (09022015). Collection method: clinical testing. Allele origin: germline.
Comment: This sequence change creates a premature translational stop signal (p.Trp414*) in the MSH6 gene. It is expected to result in an absent or disrupted protein product. This variant is not present in population databases (ExAC no frequency). This variant has not been reported in the literature in individuals with MSH6-related conditions. A different variant (c.1241G>A) giving rise to the same protein effect observed here (p.Trp414*) has been determined to be pathogenic (PMID: 26681312). This suggests that this variant is also likely to be causative of disease. Loss-of-function variants in MSH6 are known to be pathogenic (PMID: 18269114, 24362816). For these reasons, this variant has been classified as Pathogenic.

Ambry Genetics
Classification: Pathogenic for Hereditary cancer-predisposing syndrome. Last evaluated: 2019-03-15. Review status: criteria provided, single submitter. Criteria: Ambry Variant Classification Scheme 2023. Collection method: clinical testing. Allele origin: germline.
Comment: The p.W414* pathogenic mutation (also known as c.1242G>A), located in coding exon 4 of the MSH6 gene, results from a G to A substitution at nucleotide position 1242. This changes the amino acid from a tryptophan to a stop codon within coding exon 4. This alteration is expected to result in loss of function by premature protein truncation or nonsense-mediated mRNA decay. As such, this alteration is interpreted as a disease-causing mutation.

Literature cited by the submitters: PubMed 26681312 (cited by Labcorp Genetics (formerly Invitae), Labcorp); PubMed 18269114 (cited by Labcorp Genetics (formerly Invitae), Labcorp); PubMed 24362816 (cited by Labcorp Genetics (formerly Invitae), Labcorp).

NM_000179.3(MSH6):c.1242G>A (p.Trp414Ter)

Gene: MSH6 (mutS homolog 6; plus strand). Cytogenetic location: 2p16.3.
Variant type: single nucleotide variant.
Coding change: c.1242G>A on transcript NM_000179.3 (MANE Select); coding-DNA position 1242, G replaced by A.
Protein change: p.Trp414Ter; replaces tryptophan 414 with a stop codon.
Molecular consequence: nonsense.
Genome position (GRCh38, 1-based): chr2:47,799,225, G>A. VCF-style: chr2-47799225-G-A. GRCh37 (hg19) VCF-style: chr2-48026364-G-A.
Other names: c.852G>A, p.Trp284Ter (NM_001281492.2); c.336G>A, p.Trp112Ter (NM_001281493.2, NM_001281494.2); short protein forms W112*, W284*, W414*.
Identifiers: ClinVar variation 864043 (VCV000864043.13), dbSNP rs1007311950, ClinGen allele CA346743760.